The following is an entry in ClinVar:

ClinVar aggregate classification (germline): Uncertain significance (1 of 4 stars; one submission).

Allele frequency attached by ClinVar (database versions not stated): gnomAD exomes below 0.00001.
gnomAD v4.1: 1 of 1,611,060 alleles (0.000062%); highest among the groups gnomAD compares: African/African-American, 0.0013%; no homozygotes.

Submission:

Ambry Genetics
Classification: Uncertain significance. Last evaluated: 2023-03-08. Review status: criteria provided, single submitter. Criteria: Ambry Variant Classification Scheme 2023. Collection method: clinical testing. Allele origin: germline.
Comment: The p.P1652L variant (also known as c.4955C>T), located in coding exon 16 of the POLQ gene, results from a C to T substitution at nucleotide position 4955. The proline at codon 1652 is replaced by leucine, an amino acid with similar properties. This amino acid position is conserved. In addition, the in silico prediction for this alteration is inconclusive. Since supporting evidence is limited at this time, the clinical significance of this alteration remains unclear.

NM_199420.4(POLQ):c.4955C>T (p.Pro1652Leu)

Gene: POLQ (DNA polymerase theta; minus strand). Cytogenetic location: 3q13.33.
Variant type: single nucleotide variant.
Coding change: c.4955C>T on transcript NM_199420.4 (MANE Select); coding-DNA position 4955, C replaced by T.
Protein change: p.Pro1652Leu; replaces proline 1652 with leucine.
Molecular consequence: missense variant.
Genome position (GRCh38, 1-based): chr3:121,487,976, G>A on the plus strand (C>T on the coding strand, the complement: POLQ is on the minus strand). VCF-style: chr3-121487976-G-A. GRCh37 (hg19) VCF-style: chr3-121206823-G-A.
Other names: short protein forms P1652L.
Identifiers: ClinVar variation 2449055 (VCV002449055.2), dbSNP rs2546785321, ClinGen allele CA354092982.